The following is an entry in ClinVar:

NM_198428.3(BBS9):c.263C>T (p.Ser88Leu)

Gene: BBS9 (Bardet-Biedl syndrome 9; plus strand). Cytogenetic location: 7p14.3.
Variant type: single nucleotide variant.
Coding change: c.263C>T on transcript NM_198428.3 (MANE Select); coding-DNA position 263, C replaced by T.
Protein change: p.Ser88Leu; replaces serine 88 with leucine.
Molecular consequence: missense variant. On other transcripts: 5 prime UTR variant (4), non-coding transcript variant (3), intron variant (2).
Genome position (GRCh38, 1-based): chr7:33,152,851, C>T. VCF-style: chr7-33152851-C-T. GRCh37 (hg19) VCF-style: chr7-33192463-C-T.
Other names: c.263C>T, p.Ser88Leu (NM_001033604.2, NM_001033605.2, NM_001348036.1 and 5 more transcripts); c.-39C>T (NM_001348037.3, NM_001348045.3); c.-15C>T (NM_001348038.3, NM_001348039.3); c.128C>T, p.Ser43Leu (NM_001348042.3); c.-39+22810C>T (NM_001348046.3, NM_001348044.3); c.263C>T (NM_198428.2); short protein forms S43L, S88L.
Identifiers: ClinVar variation 1479571 (VCV001479571.7), dbSNP rs749974697, ClinGen allele CA4213909.

ClinVar aggregate classification (germline): Uncertain significance. Review status: criteria provided, multiple submitters, no conflicts (2 of 4 stars). 3 submissions from 3 submitters: Uncertain significance (2). 1 of the submissions does not count toward it. Last evaluated 2024-03-10.

Conditions:
BBS9-related disorder. Also called: BBS9-related condition.
Bardet-Biedl syndrome (BBS). Identifiers: Orphanet 110, MedGen C0752166, MONDO:0015229.
Bardet-Biedl syndrome 9 (BBS9). Identifiers: Orphanet 110, MedGen C1859567, MONDO:0014437, OMIM 615986.

Allele frequency attached by ClinVar (database versions not stated): ExAC 0.00001; gnomAD 0.00001; TOPMed 0.00001.
gnomAD v4.1: 32 of 1,613,694 alleles (0.002%); highest among the groups gnomAD compares: Non-Finnish European, 0.0023%; no homozygotes.

Submissions (3):

Fulgent Genetics
Classification: Uncertain significance for Bardet-Biedl syndrome 9. Last evaluated: 2024-03-10. Review status: criteria provided, single submitter. Criteria: ACMG Guidelines, 2015. Collection method: clinical testing. Allele origin: germline.

Labcorp Genetics (formerly Invitae), Labcorp
Classification: Uncertain significance for Bardet-Biedl syndrome. Last evaluated: 2021-08-30. Review status: criteria provided, single submitter. Criteria: Invitae Variant Classification Sherloc (09022015). Collection method: clinical testing. Allele origin: germline.
Comment: This sequence change replaces serine with leucine at codon 88 of the BBS9 protein (p.Ser88Leu). The serine residue is highly conserved and there is a large physicochemical difference between serine and leucine. This variant is present in population databases (rs749974697, ExAC 0.006%). This variant has not been reported in the literature in individuals affected with BBS9-related conditions. Algorithms developed to predict the effect of missense changes on protein structure and function (SIFT, PolyPhen-2, Align-GVGD) all suggest that this variant is likely to be disruptive. Algorithms developed to predict the effect of sequence changes on RNA splicing suggest that this variant may disrupt the consensus splice site. In summary, the available evidence is currently insufficient to determine the role of this variant in disease. Therefore, it has been classified as a Variant of Uncertain Significance.

PreventionGenetics, part of Exact Sciences
Classification: Uncertain significance for BBS9-related condition. Last evaluated: 2024-09-09. Review status: no assertion criteria provided. Collection method: clinical testing. Allele origin: germline. Not counted in ClinVar's aggregate classification.
Comment: The BBS9 c.263C>T variant is predicted to result in the amino acid substitution p.Ser88Leu. This variant was reported in a heterozygous individual with Bardet Biedl syndrome (BBS) who was apparently evaluated as part of a large cohort study on inherited retinal diseases. The individual was also homozygous for an additional variant in BBS12 (Table S1 Africa, Maltese et al. 2022. PubMed ID: 35836572). An in vitro minigene splice assay demonstrated that this variant leads to the partial aberrant splicing of exon 3 (Deitch et al. 2024. PubMed ID: 38534779). This variant is reported in 0.0033% of alleles in individuals of South Asian descent in gnomAD. At this time, the clinical significance of this variant is uncertain due to the absence of conclusive functional and genetic evidence.